The following is an entry in ClinVar:

ClinVar aggregate classification (germline): Pathogenic. Review status: criteria provided, multiple submitters, no conflicts (2 of 4 stars). 3 submissions from 3 submitters: Pathogenic (3). Last evaluated 2025-11-26.

Conditions:
Cold-induced sweating syndrome. Also called: Cold-Induced Sweating Syndrome Including Crisponi Syndrome. Identifiers: Orphanet 157820, MedGen C1832409, MONDO:0015526.
Cold-induced sweating syndrome 1 (CISS1). Also called: CRISPONI/COLD-INDUCED SWEATING SYNDROME 1; CRLF1-Related Cold-Induced Sweating Syndrome including Crisponi Syndrome; MUSCLE CONTRACTIONS, TETANOFORM, WITH CHARACTERISTIC FACE, CAMPTODACTYLY, HYPERTHERMIA, AND SUDDEN DEATH; Crisponi syndrome. Identifiers: Orphanet 1545, Orphanet 157820, MedGen C1848947, MONDO:0010091, OMIM 272430.

Submissions (3):

3billion
Classification: Pathogenic for Cold-induced sweating syndrome 1. Last evaluated: 2025-11-26. Review status: criteria provided, single submitter. Criteria: ACMG Guidelines, 2015. Collection method: clinical testing. Allele origin: germline. Affected: yes.
Comment: The variant is observed at an extremely low frequency in the gnomAD v4.1.0 dataset (total allele frequency: 0.002%). Predicted Consequence/Location: Frameshift: predicted to result in a loss or disruption of normal protein function through nonsense-mediated decay (NMD) or protein truncation. Multiple pathogenic variants are reported downstream of the variant. The variant has been reported at least twice as pathogenic with clinical assertions and evidence for the classification (ClinVar ID: VCV001322162 /PMID: 20186812 /3billion dataset). Therefore, this variant is classified as Pathogenic according to the recommendation of ACMG/AMP guideline.

Women's Health and Genetics/Laboratory Corporation of America, LabCorp
Classification: Pathogenic for Cold-induced sweating syndrome. Last evaluated: 2023-07-20. Review status: criteria provided, single submitter. Criteria: LabCorp Variant Classification Summary - May 2015. Collection method: clinical testing. Allele origin: germline.
Comment: Variant summary: CRLF1 c.31_53del23 (p.Gln11ValfsX68) results in a premature termination codon, predicted to cause a truncation of the encoded protein or absence of the protein due to nonsense mediated decay, which are commonly known mechanisms for disease. Variants downstream of this position have been classified as pathogenic in ClinVar. The variant was absent in 25332 control chromosomes (gnomAD). c.31_53del23 has been reported in the literature in a homozygous individual affected with Cold-Induced Sweating Syndrome (example: Yamazaki_2010). The following publication has been ascertained in the context of this evaluation (PMID: 20186812). One submitter has cited clinical-significance assessments for this variant to ClinVar after 2014 and has classified the variant as pathogenic. Based on the evidence outlined above, the variant was classified as pathogenic.

Revvity Omics, Revvity
Classification: Pathogenic for Cold-induced sweating syndrome 1. Last evaluated: 2020-06-23. Review status: criteria provided, single submitter. Criteria: ACMG Guidelines, 2015. Collection method: clinical testing. Allele origin: germline.

Literature cited by the submitters: PubMed 20186812 (cited by 3billion and Women's Health and Genetics/Laboratory Corporation of America, LabCorp).

NM_004750.5(CRLF1):c.31_53del (p.Gln11fs)

Gene: CRLF1 (cytokine receptor like factor 1; minus strand). Cytogenetic location: 19p13.11.
Variant type: Deletion.
Coding change: c.31_53del on transcript NM_004750.5 (MANE Select); coding-DNA positions 31 to 53, 23 bases deleted (CAATCCGCGCGGCGGCCGCCGCC).
Protein change: p.Gln11fs; shifts the reading frame from glutamine 11.
Molecular consequence: frameshift variant.
Genome position (GRCh38, 1-based): chr19:18,606,604-18,606,626, GGCGGCGGCCGCCGCGCGGATTG deleted on the plus strand (CAATCCGCGCGGCGGCCGCCGCC on the coding strand, the reverse complement: CRLF1 is on the minus strand); deleting any 23 consecutive bases within chr19:18,606,604-18,606,634 gives the same sequence; the c. name uses the placement nearest the transcript's 3' end. VCF-style (leftmost placement, unchanged base first): chr19-18606603-CGGCGGCGGCCGCCGCGCGGATTG-C. GRCh37 (hg19) VCF-style: chr19-18717413-CGGCGGCGGCCGCCGCGCGGATTG-C.
Other names: short protein forms Q11fs.
Identifiers: ClinVar variation 1322162 (VCV001322162.7), dbSNP rs137853929, ClinGen allele CA342062.